The following is an entry in ClinVar:

ClinVar aggregate classification (germline): Conflicting classifications of pathogenicity. Review status: criteria provided, conflicting classifications (1 of 4 stars). 5 submissions from 5 submitters: Uncertain significance (1); Likely benign (4). Last evaluated 2026-08-11.

Conditions:
PLEC-related disorder. Also called: PLEC-related condition; PLEC-related disorders.
Autosomal recessive limb-girdle muscular dystrophy type 2Q (LGMDR17). Also called: MUSCULAR DYSTROPHY, LIMB-GIRDLE, AUTOSOMAL RECESSIVE 17. Identifiers: Orphanet 254361, MedGen C3150989, MONDO:0013390, OMIM 613723.
Epidermolysis bullosa simplex 5B, with muscular dystrophy (EBS5B). Also called: EPIDERMOLYSIS BULLOSA SIMPLEX AND LIMB-GIRDLE MUSCULAR DYSTROPHY; Epidermolysis bullosa simplex with muscular dystrophy. Identifiers: Orphanet 257, MedGen C2931072, MONDO:0009181, OMIM 226670.
Epidermolysis bullosa simplex, Ogna type (EBS5A). Also called: Pidermolysis bullosa simplex 5A, Ogna type; EPIDERMOLYSIS BULLOSA SIMPLEX 5A, OGNA TYPE. Identifiers: Orphanet 79401, MedGen C0432317, MONDO:0007555, OMIM 131950.
Epidermolysis bullosa simplex with nail dystrophy (EBS5D). Identifiers: MedGen C4225309, MONDO:0014661, OMIM 616487.
Epidermolysis bullosa simplex 5C, with pyloric atresia (EBS5C). Also called: PLEC-Related Epidermolysis Bullosa with Pyloric Atresia; Epidermolysis bullosa simplex with pyloric atresia; PLEC1-Related Epidermolysis Bullosa with Pyloric Atresia. Identifiers: Orphanet 158684, MedGen C2677349, MONDO:0012807, OMIM 612138.

Allele frequency attached by ClinVar (database versions not stated): gnomAD exomes 0.00006; gnomAD 0.00007; TOPMed 0.00010; ExAC 0.00004.
gnomAD v4.1: 99 of 1,613,812 alleles (0.0061%); highest among the groups gnomAD compares: Admixed American, 0.0083%; no homozygotes.

Submissions (5):

PreventionGenetics, part of Exact Sciences
Classification: Likely benign for PLEC-related condition. Last evaluated: 2026-08-11. Review status: criteria provided, single submitter. Criteria: ACMG Guidelines, 2015. Collection method: clinical testing. Allele origin: germline.
Comment: This variant is classified as likely benign based on ACMG/AMP sequence variant interpretation guidelines (Richards et al. 2015 PMID: 25741868, with internal and published modifications).

Labcorp Genetics (formerly Invitae), Labcorp
Classification: Likely benign for Autosomal recessive limb-girdle muscular dystrophy type 2Q; Epidermolysis bullosa simplex, Ogna type; Epidermolysis bullosa simplex with nail dystrophy; Epidermolysis bullosa simplex 5C, with pyloric atresia; Epidermolysis bullosa simplex 5B, with muscular dystrophy. Last evaluated: 2025-09-19. Review status: criteria provided, single submitter. Criteria: Invitae Variant Classification Sherloc (09022015). Collection method: clinical testing. Allele origin: germline.

Blueprint Genetics
Classification: Likely benign. Last evaluated: 2024-06-17. Review status: criteria provided, single submitter. Criteria: ACMG Guidelines, 2015. Collection method: clinical testing. Allele origin: germline.

GeneDx
Classification: Likely benign. Last evaluated: 2017-08-17. Review status: criteria provided, single submitter. Criteria: GeneDx Variant Classification (06012015). Collection method: clinical testing. Allele origin: germline. Affected: yes.
Comment: This variant is considered likely benign or benign based on one or more of the following criteria: it is a conservative change, it occurs at a poorly conserved position in the protein, it is predicted to be benign by multiple in silico algorithms, and/or has population frequency not consistent with disease.

Eurofins Ntd Llc (ga)
Classification: Uncertain significance. Last evaluated: 2017-06-20. Review status: criteria provided, single submitter. Criteria: EGL Classification Definitions 2015. Collection method: clinical testing. Allele origin: germline. Observed: 2 variant alleles, 2 heterozygotes.

NM_201384.3(PLEC):c.12255C>T (p.Asp4085=)

Gene: PLEC (plectin; minus strand). Cytogenetic location: 8q24.3.
Variant type: single nucleotide variant.
Coding change: c.12255C>T on transcript NM_201384.3 (MANE Select); coding-DNA position 12255, C replaced by T.
Protein change: p.Asp4085=; no amino-acid change (aspartic acid 4085 retained).
Molecular consequence: synonymous variant.
Genome position (GRCh38, 1-based): chr8:143,917,566, G>A on the plus strand (C>T on the coding strand, the complement: PLEC is on the minus strand). VCF-style: chr8-143917566-G-A. GRCh37 (hg19) VCF-style: chr8-144991734-G-A.
Other names: c.12336C>T, p.Asp4112= (NM_000445.5); c.12213C>T, p.Asp4071= (NM_201378.4); c.12189C>T, p.Asp4063= (NM_201379.3); c.12666C>T, p.Asp4222= (NM_201380.4); c.12159C>T, p.Asp4053= (NM_201381.3); c.12255C>T, p.Asp4085= (NM_201382.4); c.12267C>T, p.Asp4089= (NM_201383.3).
Identifiers: ClinVar variation 502670 (VCV000502670.17), dbSNP rs782193445, ClinGen allele CA4924133.